The following is an entry in ClinVar:

ClinVar aggregate classification (germline): Pathogenic (1 of 4 stars; one submission).

Submission:

GeneDx
Classification: Pathogenic. Last evaluated: 2018-10-29. Review status: criteria provided, single submitter. Criteria: GeneDx Variant Classification (06012015). Collection method: clinical testing. Allele origin: germline. Affected: yes.
Comment: The Q214X variant in the EFNB1 gene has not been reported previously as a pathogenic variant nor as a benign variant, to our knowledge. This variant is predicted to cause loss of normal protein function through protein truncation. The Q214X variant is not observed in large population cohorts (Lek et al., 2016). We interpret Q214X as a pathogenic variant,

NM_004429.5(EFNB1):c.640C>T (p.Gln214Ter)

Gene: EFNB1 (ephrin B1; plus strand). Cytogenetic location: Xq13.1.
Variant type: single nucleotide variant.
Coding change: c.640C>T on transcript NM_004429.5 (MANE Select); coding-DNA position 640, C replaced by T.
Protein change: p.Gln214Ter; replaces glutamine 214 with a stop codon.
Molecular consequence: nonsense.
Genome position (GRCh38, 1-based): chrX:68,840,253, C>T. VCF-style: chrX-68840253-C-T. GRCh37 (hg19) VCF-style: chrX-68060096-C-T.
Other names: short protein forms Q214*.
Identifiers: ClinVar variation 620450 (VCV000620450.1), dbSNP rs1569398276, ClinGen allele CA413438419.